The following is an entry in ClinVar:

NM_000030.3(AGXT):c.466G>C (p.Gly156Arg)

Gene: AGXT (alanine--glyoxylate aminotransferase; plus strand). Cytogenetic location: 2q37.3.
Variant type: single nucleotide variant.
Coding change: c.466G>C on transcript NM_000030.3 (MANE Select); coding-DNA position 466, G replaced by C.
Protein change: p.Gly156Arg; replaces glycine 156 with arginine.
Molecular consequence: missense variant.
Genome position (GRCh38, 1-based): chr2:240,871,391, G>C. VCF-style: chr2-240871391-G-C. GRCh37 (hg19) VCF-style: chr2-241810808-G-C.
Other names: short protein forms G156R.
Identifiers: ClinVar variation 552979 (VCV000552979.7), dbSNP rs121908530, ClinGen allele CA68178380.

ClinVar aggregate classification (germline): Pathogenic/Likely pathogenic. Review status: criteria provided, multiple submitters, no conflicts (2 of 4 stars). 3 submissions from 3 submitters: Pathogenic (1); Likely pathogenic (1). 1 of the submissions does not count toward it. Last evaluated 2024-12-02.

Conditions:
Primary hyperoxaluria, type I (HP1). Also called: GLYCOLIC ACIDURIA; HEPATIC AGT DEFICIENCY; OXALOSIS I; Primary hyperoxaluria type 1. Identifiers: Orphanet 416, Orphanet 93598, MedGen C0268164, MONDO:0009823, OMIM 259900. Disease mechanism: loss of function.

Allele frequency attached by ClinVar (database versions not stated): TOPMed 0.00001.
gnomAD v4.1: 1 of 1,600,366 alleles (0.000062%); highest among the groups gnomAD compares: Non-Finnish European, 0.000085%; no homozygotes.

Submissions (3):

Natera, Inc.
Classification: Likely pathogenic for Primary hyperoxaluria type I. Last evaluated: 2024-12-02. Review status: criteria provided, single submitter. Criteria: Natera Variant Classification Schema (03/2026). Collection method: clinical testing. Allele origin: germline.
Comment: The c.466G>C variant in AGXT is a missense variant predicted to cause substitution of glycine to arginine at amino acid 156. This variant is rare in the general population with a frequency below the threshold expected for the associated phenotype(s). Another variant at this same site results in an alteration predicted to cause a similar molecular effect has been observed in individual(s) with the associated phenotype. Computational prediction algorithms indicate this variant is likely to affect gene or protein function. Given the available evidence, this variant is classified as Likely Pathogenic.

Labcorp Genetics (formerly Invitae), Labcorp
Classification: Pathogenic. Last evaluated: 2023-09-04. Review status: criteria provided, single submitter. Criteria: Invitae Variant Classification Sherloc (09022015). Collection method: clinical testing. Allele origin: germline.
Comment: A different variant (c.466G>A) giving rise to the same protein effect has been determined to be pathogenic (PMID: 17460142, 23810941, 27935012). This suggests that this variant is also likely to be causative of disease. This variant is not present in population databases (gnomAD no frequency). This sequence change replaces glycine, which is neutral and non-polar, with arginine, which is basic and polar, at codon 156 of the AGXT protein (p.Gly156Arg). ClinVar contains an entry for this variant (Variation ID: 552979). Advanced modeling of protein sequence and biophysical properties (such as structural, functional, and spatial information, amino acid conservation, physicochemical variation, residue mobility, and thermodynamic stability) performed at Invitae indicates that this missense variant is expected to disrupt AGXT protein function. For these reasons, this variant has been classified as Pathogenic.

Counsyl
Classification: Pathogenic for Primary hyperoxaluria, type I. Last evaluated: 2017-07-24. Review status: no assertion criteria provided. Collection method: clinical testing. Allele origin: unknown. Not counted in ClinVar's aggregate classification.

Literature cited by the submitters: PubMed 17460142 (cited by Labcorp Genetics (formerly Invitae), Labcorp); PubMed 23810941 (cited by Labcorp Genetics (formerly Invitae), Labcorp); PubMed 27935012 (cited by Labcorp Genetics (formerly Invitae), Labcorp).